The following is an entry in ClinVar:

NM_020207.7(ERCC6L2):c.3269C>T (p.Pro1090Leu)

Gene: ERCC6L2 (ERCC excision repair 6 like 2; plus strand). Cytogenetic location: 9q22.32.
Variant type: single nucleotide variant.
Coding change: c.3269C>T on transcript NM_020207.7 (MANE Select); coding-DNA position 3269, C replaced by T.
Protein change: p.Pro1090Leu; replaces proline 1090 with leucine.
Molecular consequence: missense variant. On other transcripts: non-coding transcript variant (1).
Genome position (GRCh38, 1-based): chr9:95,973,020, C>T. VCF-style: chr9-95973020-C-T. GRCh37 (hg19) VCF-style: chr9-98735302-C-T.
Other names: c.3269C>T, p.Pro1090Leu (NM_001375291.1, NM_001375292.1, NM_001375293.1 and 1 more transcripts); short protein forms P1090L.
Identifiers: ClinVar variation 1360437 (VCV001360437.4), dbSNP rs772412602, ClinGen allele CA5139876.

ClinVar aggregate classification (germline): Uncertain significance (1 of 4 stars; one submission).

Allele frequency attached by ClinVar (database versions not stated): gnomAD 0.00001; gnomAD exomes 0.00001 and 0.00002; TOPMed 0.00001; ExAC 0.00003.
gnomAD v4.1: 15 of 1,361,562 alleles (0.0011%); highest among the groups gnomAD compares: African/African-American, 0.0015%; no homozygotes.

Submission:

Labcorp Genetics (formerly Invitae), Labcorp
Classification: Uncertain significance. Last evaluated: 2025-04-02. Review status: criteria provided, single submitter. Criteria: Invitae Variant Classification Sherloc (09022015). Collection method: clinical testing. Allele origin: germline.
Comment: This sequence change replaces proline, which is neutral and non-polar, with leucine, which is neutral and non-polar, at codon 1101 of the ERCC6L2 protein (p.Pro1101Leu). This variant is present in population databases (rs772412602, gnomAD 0.007%). This variant has not been reported in the literature in individuals affected with ERCC6L2-related conditions. ClinVar contains an entry for this variant (Variation ID: 1360437). Experimental studies and prediction algorithms are not available or were not evaluated, and the functional significance of this variant is currently unknown. In summary, the available evidence is currently insufficient to determine the role of this variant in disease. Therefore, it has been classified as a Variant of Uncertain Significance.